The following is an entry in ClinVar:

NM_000286.3(PEX12):c.980G>A (p.Arg327His)

Gene: PEX12 (peroxisomal biogenesis factor 12; minus strand). Cytogenetic location: 17q12.
Variant type: single nucleotide variant.
Coding change: c.980G>A on transcript NM_000286.3 (MANE Select); coding-DNA position 980, G replaced by A.
Protein change: p.Arg327His; replaces arginine 327 with histidine.
Molecular consequence: missense variant.
Genome position (GRCh38, 1-based): chr17:35,575,882, C>T on the plus strand (G>A on the coding strand, the complement: PEX12 is on the minus strand). VCF-style: chr17-35575882-C-T. GRCh37 (hg19) VCF-style: chr17-33902901-C-T.
Other names: short protein forms R327H.
Identifiers: ClinVar variation 2040998 (VCV002040998.1), dbSNP rs557834416, ClinGen allele CA8504809.
Genomic context (GRCh38, chr17:35,575,882, plus strand): 5'-TCTGTTGGATAACCTGTGATGGGACAAGCTTGGTGACTCCTCACATAATGAAACACACAG[C>T]GGTAACAAAACACATAGCCAGAGGTGGCAAGAACAGTATCATTCACCCGGGTTTTACGAC-3'
Protein context (NP_000277.1, residues 317-337): LATSGYVFCY[Arg327His]CVFHYVRSHQ

ClinVar aggregate classification (germline): Uncertain significance (1 of 4 stars; one submission).

Conditions:
Peroxisome biogenesis disorder 3A (Zellweger). Also called: PEROXISOMAL BIOGENESIS DISORDER 3A (ZELLWEGER); Peroxisome biogenesis disorder 3A. Identifiers: Orphanet 912, MedGen C3553929, MONDO:0013927, OMIM 614859.

Allele frequency attached by ClinVar (database versions not stated): TOPMed 0.00006; gnomAD 0.00007; ExAC 0.00009; gnomAD exomes 0.00010; 1000 Genomes Project 30x 0.00031; 1000 Genomes Project 0.00040.

Submission:

Labcorp Genetics (formerly Invitae), Labcorp
Classification: Uncertain significance for Peroxisome biogenesis disorder 3A (Zellweger). Last evaluated: 2022-09-01. Review status: criteria provided, single submitter. Criteria: Invitae Variant Classification Sherloc (09022015). Collection method: clinical testing. Allele origin: germline.
Comment: This sequence change replaces arginine, which is basic and polar, with histidine, which is basic and polar, at codon 327 of the PEX12 protein (p.Arg327His). This variant is present in population databases (rs557834416, gnomAD 0.07%). This variant has not been reported in the literature in individuals affected with PEX12-related conditions. Algorithms developed to predict the effect of missense changes on protein structure and function are either unavailable or do not agree on the potential impact of this missense change (SIFT: "Tolerated"; PolyPhen-2: "Probably Damaging"; Align-GVGD: "Class C0"). In summary, the available evidence is currently insufficient to determine the role of this variant in disease. Therefore, it has been classified as a Variant of Uncertain Significance.